The following is an entry in ClinVar:

ClinVar aggregate classification (germline): Uncertain significance (1 of 4 stars; one submission).

Submission:

Labcorp Genetics (formerly Invitae), Labcorp
Classification: Uncertain significance. Last evaluated: 2025-02-15. Review status: criteria provided, single submitter. Criteria: Invitae Variant Classification Sherloc (09022015). Collection method: clinical testing. Allele origin: germline.
Comment: This sequence change replaces proline, which is neutral and non-polar, with serine, which is neutral and polar, at codon 1333 of the COL7A1 protein (p.Pro1333Ser). This variant is not present in population databases (gnomAD no frequency). This variant has not been reported in the literature in individuals affected with COL7A1-related conditions. Invitae Evidence Modeling of protein sequence and biophysical properties (such as structural, functional, and spatial information, amino acid conservation, physicochemical variation, residue mobility, and thermodynamic stability) indicates that this missense variant is not expected to disrupt COL7A1 protein function with a negative predictive value of 95%. In summary, the available evidence is currently insufficient to determine the role of this variant in disease. Therefore, it has been classified as a Variant of Uncertain Significance.

NM_000094.4(COL7A1):c.3997C>T (p.Pro1333Ser)

Gene: COL7A1 (collagen type VII alpha 1 chain; minus strand). Cytogenetic location: 3p21.31.
Variant type: single nucleotide variant.
Coding change: c.3997C>T on transcript NM_000094.4 (MANE Select); coding-DNA position 3997, C replaced by T.
Protein change: p.Pro1333Ser; replaces proline 1333 with serine.
Molecular consequence: missense variant.
Genome position (GRCh38, 1-based): chr3:48,584,924, G>A on the plus strand (C>T on the coding strand, the complement: COL7A1 is on the minus strand). VCF-style: chr3-48584924-G-A. GRCh37 (hg19) VCF-style: chr3-48622357-G-A.
Other names: short protein forms P1333S.
Identifiers: ClinVar variation 4801664 (VCV004801664.1).